The following is an entry in ClinVar:

ClinVar aggregate classification (germline): Uncertain significance (1 of 4 stars; one submission).

Submission:

GeneDx
Classification: Uncertain significance. Last evaluated: 2025-06-23. Review status: criteria provided, single submitter. Criteria: GeneDx Variant Classification Process June 2021. Collection method: clinical testing. Allele origin: germline. Affected: yes.
Comment: Not observed at significant frequency in large population cohorts (gnomAD); In silico analysis supports that this missense variant has a deleterious effect on protein structure/function; Has not been previously published as pathogenic or benign to our knowledge

NM_004612.4(TGFBR1):c.834G>C (p.Leu278Phe)

Gene: TGFBR1 (transforming growth factor beta receptor 1; plus strand). Cytogenetic location: 9q22.33.
Variant type: single nucleotide variant.
Coding change: c.834G>C on transcript NM_004612.4 (MANE Select); coding-DNA position 834, G replaced by C.
Protein change: p.Leu278Phe; replaces leucine 278 with phenylalanine.
Molecular consequence: missense variant. On other transcripts: non-coding transcript variant (4), intron variant (2).
Genome position (GRCh38, 1-based): chr9:99,142,564, G>C. VCF-style: chr9-99142564-G-C. GRCh37 (hg19) VCF-style: chr9-101904846-G-C.
Other names: c.603G>C, p.Leu201Phe (NM_001130916.3, NM_001407435.1); c.846G>C, p.Leu282Phe (NM_001306210.2); c.639G>C, p.Leu213Phe (NM_001407418.1, NM_001407419.1, NM_001407420.1 and 1 more transcripts); c.627G>C, p.Leu209Phe (NM_001407423.1, NM_001407424.1, NM_001407425.1 and 8 more transcripts); c.588G>C, p.Leu196Phe (NM_001407436.1); c.126G>C, p.Leu42Phe (NM_001407437.1); c.357G>C, p.Leu119Phe (NM_001407438.1); c.818-2168G>C (NM_001407416.1); and 1 more; short protein forms L119F, L196F, L201F, L209F, L213F, L278F, L282F, L42F.
Identifiers: ClinVar variation 3602432 (VCV003602432.2).